The following is an entry in ClinVar:

ClinVar aggregate classification (germline): Likely benign (1 of 4 stars; one submission).

Allele frequency attached by ClinVar (database versions not stated): gnomAD 0.00001; TOPMed 0.00003; ExAC 0.00006; ESP Exome Variant Server 0.00008.
gnomAD v4.1: 19 of 1,580,486 alleles (0.0012%); highest among the groups gnomAD compares: Admixed American, 0.018%; no homozygotes.

Submission:

CeGaT Center for Human Genetics Tuebingen
Classification: Likely benign. Last evaluated: 2026-08-01. Review status: criteria provided, single submitter. Criteria: CeGaT Center For Human Genetics Tuebingen Variant Classification Criteria Version 2. Collection method: clinical testing. Allele origin: germline. Affected: yes. Observed: 4 variant alleles.
Comment: BTBD17: BP4, BP7

NM_001080466.2(BTBD17):c.1395C>T (p.Ile465=)

Gene: BTBD17 (BTB domain containing 17; minus strand). Cytogenetic location: 17q25.1.
Variant type: single nucleotide variant.
Coding change: c.1395C>T on transcript NM_001080466.2 (MANE Select); coding-DNA position 1395, C replaced by T.
Protein change: p.Ile465=; no amino-acid change (isoleucine 465 retained).
Molecular consequence: synonymous variant.
Genome position (GRCh38, 1-based): chr17:74,356,699, G>A on the plus strand (C>T on the coding strand, the complement: BTBD17 is on the minus strand). VCF-style: chr17-74356699-G-A. GRCh37 (hg19) VCF-style: chr17-72352838-G-A.
Identifiers: ClinVar variation 3250681 (VCV003250681.18), dbSNP rs138518452.